The following is an entry in ClinVar:

ClinVar aggregate classification (germline): Uncertain significance (1 of 4 stars; one submission).

gnomAD v4.1: 4 of 1,612,492 alleles (0.00025%); highest among the groups gnomAD compares: Middle Eastern, 0.017%; no homozygotes.

Submission:

Ambry Genetics
Classification: Uncertain significance. Last evaluated: 2025-03-07. Review status: criteria provided, single submitter. Criteria: Ambry Variant Classification Scheme 2023. Collection method: clinical testing. Allele origin: germline.
Comment: The p.L875P variant (also known as c.2624T>C), located in coding exon 13 of the GEN1 gene, results from a T to C substitution at nucleotide position 2624. The leucine at codon 875 is replaced by proline, an amino acid with similar properties. This amino acid position is conserved. In addition, this alteration is predicted to be tolerated by in silico analysis. Based on the available evidence, the clinical significance of this variant remains unclear.

NM_001130009.3(GEN1):c.2624T>C (p.Leu875Pro)

Gene: GEN1 (GEN1 Holliday junction 5' flap endonuclease; plus strand). Cytogenetic location: 2p24.2.
Variant type: single nucleotide variant.
Coding change: c.2624T>C on transcript NM_001130009.3 (MANE Select); coding-DNA position 2624, T replaced by C.
Protein change: p.Leu875Pro; replaces leucine 875 with proline.
Molecular consequence: missense variant.
Genome position (GRCh38, 1-based): chr2:17,781,836, T>C. VCF-style: chr2-17781836-T-C. GRCh37 (hg19) VCF-style: chr2-17963103-T-C.
Other names: c.2624T>C, p.Leu875Pro (NM_182625.5); short protein forms L875P.
Identifiers: ClinVar variation 3853617 (VCV003853617.1).
Genomic context (GRCh38, chr2:17,781,836, plus strand): 5'-GATCTTATGAAACAGCTGAAAATGAAGAAAGCTGTTTCCCAGATTCAACAAAAAGTTCTC[T>C]GAGTTCTCTACAATGTCATAAGAAAGAAAACAACTCTGGTACTTGTTTGGATAGCCCTCT-3'
Protein context (NP_001123481.3, residues 865-885): SCFPDSTKSS[Leu875Pro]SSLQCHKKEN